The following is an entry in ClinVar:

NM_001127511.3(APC):c.166-28658G>T

Gene: APC (APC regulator of Wnt signaling pathway; plus strand). Cytogenetic location: 5q22.2.
Variant type: single nucleotide variant.
Coding change: c.166-28658G>T on transcript NM_001127511.3; 28658 bases into the intron before coding-DNA position 166, G replaced by T.
Molecular consequence: intron variant.
Genome position (GRCh38, 1-based): chr5:112,737,668, G>T. VCF-style: chr5-112737668-G-T. GRCh37 (hg19) VCF-style: chr5-112073365-G-T.
Other names: c.-1053-17205G>T (NM_001407470.1, NM_001407472.1); c.-18-17205G>T (NM_001407447.1, NM_001354895.2, NM_001407456.1 and 7 more transcripts); c.166-28658G>T (NM_001407446.1, NM_001354897.2, NM_001354902.2); c.-42-28658G>T (NM_001407453.1).
Identifiers: ClinVar variation 3041358 (VCV003041358.3), dbSNP rs369319322, ClinGen allele CA124948602.

ClinVar aggregate classification (germline): Likely benign. Review status: criteria provided, single submitter (1 of 4 stars). 2 submissions from 2 submitters: Likely benign (1). 1 of the submissions does not count toward it. Last evaluated 2023-11-29.

Conditions:
APC-related disorder. Also called: APC-related condition.

Allele frequency attached by ClinVar (database versions not stated): TOPMed 0.00022; gnomAD 0.00021.
gnomAD v4.1: 33 of 152,358 alleles (0.022%); highest among the groups gnomAD compares: African/African-American, 0.065%; no homozygotes.

Submissions (2):

Blueprint Genetics
Classification: Likely benign. Last evaluated: 2023-11-29. Review status: criteria provided, single submitter. Criteria: ACMG Guidelines, 2015. Collection method: clinical testing. Allele origin: germline.

PreventionGenetics, part of Exact Sciences
Classification: Likely benign for APC-related condition. Last evaluated: 2020-01-21. Review status: no assertion criteria provided. Collection method: clinical testing. Allele origin: germline. Not counted in ClinVar's aggregate classification.
Comment: This variant is classified as likely benign based on ACMG/AMP sequence variant interpretation guidelines (Richards et al. 2015 PMID: 25741868, with internal and published modifications).